The following is an entry in ClinVar:

NC_000005.9:g.(?_13817647)_(13820618_?)del

Gene: DNAH5 (dynein axonemal heavy chain 5; minus strand). Cytogenetic location: 5p15.2.
Variant type: Deletion.
Identifiers: ClinVar variation 1075617 (VCV001075617.5).

ClinVar aggregate classification (germline): Pathogenic (1 of 4 stars; one submission).

Conditions:
Primary ciliary dyskinesia. Also called: Ciliary dyskinesia. Identifiers: Orphanet 244, MedGen C0008780, MONDO:0016575, HP:0012265.

Submission:

Labcorp Genetics (formerly Invitae), Labcorp
Classification: Pathogenic for Primary ciliary dyskinesia. Last evaluated: 2020-09-26. Review status: criteria provided, single submitter. Criteria: Invitae Variant Classification Sherloc (09022015). Collection method: clinical testing. Allele origin: germline.
Comment: For these reasons, this variant has been classified as Pathogenic. Loss-of-function variants in DNAH5 are known to be pathogenic (PMID: 11788826, 16627867). This variant has been observed in individual(s) with primary ciliary dyskinesia (PMID: 26139845). This variant is an out-of-frame deletion of the genomic region encompassing exon(s) 41-42 of the DNAH5 gene. This is expected to create a premature translational stop signal and result in an absent or disrupted protein product.

Literature cited by the submitters: PubMed 11788826; PubMed 16627867; PubMed 26139845.